The following is an entry in ClinVar:

NM_000263.4(NAGLU):c.648dup (p.Ser217fs)

Gene: NAGLU (N-acetyl-alpha-glucosaminidase; plus strand). Cytogenetic location: 17q21.2.
Variant type: Duplication.
Coding change: c.648dup on transcript NM_000263.4 (MANE Select); coding-DNA position 648, one base duplicated (C; older notation c.648dupC).
Protein change: p.Ser217fs; shifts the reading frame from serine 217.
Molecular consequence: frameshift variant.
Genome position (GRCh38, 1-based): chr17:42,538,455, C duplicated; the last of 6 consecutive C bases (chr17:42,538,450-42,538,455); duplicating any one gives the same sequence. VCF-style (leftmost placement, unchanged base first): chr17-42538449-G-GC. GRCh37 (hg19) VCF-style: chr17-40690467-G-GC.
Other names: c.648dupC (NM_000263.3); short protein forms S217fs.
Identifiers: ClinVar variation 288037 (VCV000288037.12), dbSNP rs760370189, ClinGen allele CA8576804.

ClinVar aggregate classification (germline): Pathogenic/Likely pathogenic. Review status: criteria provided, multiple submitters, no conflicts (2 of 4 stars). 4 submissions from 4 submitters: Pathogenic (3); Likely pathogenic (1). Last evaluated 2026-08-11.

Conditions:
NAGLU-related disorder. Also called: NAGLU-related condition.
Charcot-Marie-Tooth disease axonal type 2V. Also called: CHARCOT-MARIE-TOOTH NEUROPATHY, TYPE 2V; CHARCOT-MARIE-TOOTH DISEASE, AXONAL, AUTOSOMAL DOMINANT, TYPE 2V. Identifiers: Orphanet 447964, MedGen C5569050, MONDO:0014665, OMIM 616491.
Mucopolysaccharidosis, MPS-III-B (MPS3B). Also called: Mucopolysaccharidosis type IIIB (Sanfilippo B); MPS IIIB (Sanfilippo Syndrome Type B); MPS III B; N-ACETYL-ALPHA-D-GLUCOSAMINIDASE DEFICIENCY; NAGLU DEFICIENCY; MUCOPOLYSACCHARIDOSIS, TYPE IIIB. Identifiers: Orphanet 79270, MedGen C0086648, MONDO:0009656, OMIM 252920.

Submissions (4):

PreventionGenetics, part of Exact Sciences
Classification: Pathogenic for NAGLU-related condition. Last evaluated: 2026-08-11. Review status: criteria provided, single submitter. Criteria: ACMG Guidelines, 2015. Collection method: clinical testing. Allele origin: germline.
Comment: The NAGLU c.648dupC variant is predicted to result in a frameshift and premature protein termination (p.Ser217Leufs*56). To our knowledge, this variant has not been reported in the literature. This variant is reported in 0.0040% of alleles in individuals of African descent in gnomAD. Frameshift variants in NAGLU are expected to be pathogenic. This variant is interpreted as pathogenic.

Labcorp Genetics (formerly Invitae), Labcorp
Classification: Pathogenic for Charcot-Marie-Tooth disease axonal type 2V; Mucopolysaccharidosis, MPS-III-B. Last evaluated: 2026-01-20. Review status: criteria provided, single submitter. Criteria: Invitae Variant Classification Sherloc (09022015). Collection method: clinical testing. Allele origin: germline.
Comment: This sequence change creates a premature translational stop signal (p.Ser217Leufs*56) in the NAGLU gene. It is expected to result in an absent or disrupted protein product. Loss-of-function variants in NAGLU are known to be pathogenic (PMID: 9832037, 10094189, 16151907). This variant is present in population databases (rs760370189, gnomAD 0.004%). This variant has not been reported in the literature in individuals affected with NAGLU-related conditions. ClinVar contains an entry for this variant (Variation ID: 288037). For these reasons, this variant has been classified as Pathogenic.

Natera, Inc.
Classification: Likely pathogenic for Mucopolysaccharidosis type IIIB. Last evaluated: 2025-11-03. Review status: criteria provided, single submitter. Criteria: Natera Variant Classification Schema (03/2026). Collection method: clinical testing. Allele origin: germline.
Comment: The c.648dupC variant in NAGLU is a frameshift variant predicted to shift the reading frame beginning at codon 217 and leads to a stop codon 56 codons downstream. This variant is expected to result in nonsense mediated decay, truncation, or a dysfunctional protein product. This variant is rare in the general population with a frequency below the threshold expected for the associated phenotype(s). Given the available evidence, this variant is classified as Likely Pathogenic.

Eurofins Ntd Llc (ga)
Classification: Pathogenic. Last evaluated: 2016-06-04. Review status: criteria provided, single submitter. Criteria: EGL Classification Definitions. Collection method: clinical testing. Allele origin: germline. Observed: 1 variant allele, 1 heterozygote.

Literature cited by the submitters: PubMed 9832037 (cited by Labcorp Genetics (formerly Invitae), Labcorp); PubMed 10094189 (cited by Labcorp Genetics (formerly Invitae), Labcorp); PubMed 16151907 (cited by Labcorp Genetics (formerly Invitae), Labcorp).